The following is an entry in ClinVar:

NM_014550.4(CARD10):c.1389T>C (p.Cys463=)

Gene: CARD10 (caspase recruitment domain family member 10; minus strand). Cytogenetic location: 22q13.1.
Variant type: single nucleotide variant.
Coding change: c.1389T>C on transcript NM_014550.4 (MANE Select); coding-DNA position 1389, T replaced by C.
Protein change: p.Cys463=; no amino-acid change (cysteine 463 retained).
Molecular consequence: synonymous variant.
Genome position (GRCh38, 1-based): chr22:37,504,764, A>G on the plus strand (T>C on the coding strand, the complement: CARD10 is on the minus strand). VCF-style: chr22-37504764-A-G. GRCh37 (hg19) VCF-style: chr22-37900771-A-G.
Identifiers: ClinVar variation 3060805 (VCV003060805.2), dbSNP rs3817806, ClinGen allele CA10219845.

ClinVar aggregate classification (germline): Benign (0 of 4 stars; one submission).

Conditions:
CARD10-related disorder. Also called: CARD10-related condition.

Allele frequency attached by ClinVar (database versions not stated): ESP Exome Variant Server 0.05728; TOPMed 0.06106; gnomAD 0.06532; ExAC 0.09131; 1000 Genomes Project 30x 0.10884; 1000 Genomes Project 0.11002.
gnomAD v4.1: 105,010 of 1,531,270 alleles (6.9%); highest among the groups gnomAD compares: South Asian, 22%; 5,002 homozygotes.

Submission:

PreventionGenetics, part of Exact Sciences
Classification: Benign for CARD10-related condition. Last evaluated: 2019-11-19. Review status: no assertion criteria provided. Collection method: clinical testing. Allele origin: germline.
Comment: This variant is classified as benign based on ACMG/AMP sequence variant interpretation guidelines (Richards et al. 2015 PMID: 25741868, with internal and published modifications).